The following is an entry in ClinVar:

NM_001211.6(BUB1B):c.2491G>A (p.Gly831Ser)

Gene: BUB1B (BUB1 mitotic checkpoint serine/threonine kinase B; plus strand). Cytogenetic location: 15q15.1.
Variant type: single nucleotide variant.
Coding change: c.2491G>A on transcript NM_001211.6 (MANE Select); coding-DNA position 2491, G replaced by A.
Protein change: p.Gly831Ser; replaces glycine 831 with serine.
Molecular consequence: missense variant.
Genome position (GRCh38, 1-based): chr15:40,212,604, G>A. VCF-style: chr15-40212604-G-A. GRCh37 (hg19) VCF-style: chr15-40504805-G-A.
Other names: short protein forms G831S.
Identifiers: ClinVar variation 4842698 (VCV004842698.1).

ClinVar aggregate classification (germline): Uncertain significance (1 of 4 stars; one submission).

Conditions:
Inborn genetic diseases. Identifiers: MedGen C0950123, MeSH D030342.

Submission:

Ambry Genetics
Classification: Uncertain significance for Inborn genetic diseases. Last evaluated: 2025-12-18. Review status: criteria provided, single submitter. Criteria: Ambry Variant Classification Scheme 2023. Collection method: clinical testing. Allele origin: germline.
Comment: The p.G831S variant (also known as c.2491G>A), located in coding exon 19 of the BUB1B gene, results from a G to A substitution at nucleotide position 2491. The glycine at codon 831 is replaced by serine, an amino acid with similar properties. This amino acid position is conserved. In addition, the in silico prediction for this alteration is inconclusive. Based on the available evidence, the clinical significance of this variant remains unclear.